The following is an entry in ClinVar:

ClinVar aggregate classification (germline): Pathogenic (1 of 4 stars; one submission).

Conditions:
Torsion dystonia 6 (DYT6). Also called: DYT-THAP1. Identifiers: Orphanet 98806, MedGen C1414216, MONDO:0011264, OMIM 602629.

Submission:

Labcorp Genetics (formerly Invitae), Labcorp
Classification: Pathogenic for Torsion dystonia 6. Last evaluated: 2024-10-21. Review status: criteria provided, single submitter. Criteria: Invitae Variant Classification Sherloc (09022015). Collection method: clinical testing. Allele origin: germline.
Comment: This sequence change creates a premature translational stop signal (p.Phe22Thrfs*50) in the THAP1 gene. It is expected to result in an absent or disrupted protein product. Loss-of-function variants in THAP1 are known to be pathogenic (PMID: 19345147). This variant is not present in population databases (gnomAD no frequency). This premature translational stop signal has been observed in individual(s) with THAP1-related conditions (PMID: 21800139, 22652465). For these reasons, this variant has been classified as Pathogenic.

Literature cited by the submitters: PubMed 19345147; PubMed 21800139; PubMed 22652465.

NM_018105.3(THAP1):c.63_66del (p.Phe22fs)

Gene: THAP1 (THAP domain containing 1; minus strand). Cytogenetic location: 8p11.21.
Variant type: Microsatellite.
Coding change: c.63_66del on transcript NM_018105.3 (MANE Select); coding-DNA positions 63 to 66, 4 bases deleted (TTTC; older notation c.63_66delTTTC).
Protein change: p.Phe22fs; shifts the reading frame from phenylalanine 22.
Molecular consequence: frameshift variant.
Genome position (GRCh38, 1-based): chr8:42,843,029-42,843,032, GAAA deleted on the plus strand (TTTC on the coding strand, the reverse complement: THAP1 is on the minus strand); deleting any 4 consecutive bases within chr8:42,843,029-42,843,036 gives the same sequence; the c. name uses the placement nearest the transcript's 3' end. VCF-style (leftmost placement, unchanged base first): chr8-42843028-GGAAA-G. GRCh37 (hg19) VCF-style: chr8-42698171-GGAAA-G.
Other names: c.63_66del, p.Phe22fs (NM_199003.2); short protein forms F22fs.
Identifiers: ClinVar variation 3720817 (VCV003720817.2).